The following is an entry in ClinVar:

ClinVar aggregate classification (germline): Conflicting classifications of pathogenicity. Review status: criteria provided, conflicting classifications (1 of 4 stars). 2 submissions from 2 submitters: Uncertain significance (1); Likely benign (1). Last evaluated 2025-03-04.

Conditions:
Hereditary cancer-predisposing syndrome. Also called: Hereditary Cancer Syndrome; Hereditary neoplastic syndrome; Tumor predisposition; Neoplastic Syndromes, Hereditary. Identifiers: Orphanet 140162, MedGen C0027672, MeSH D009386, MONDO:0015356.

Allele frequency attached by ClinVar (database versions not stated): gnomAD exomes below 0.00001; TOPMed below 0.00001.
gnomAD v4.1: 1 of 1,612,640 alleles (0.000062%); highest among the groups gnomAD compares: Non-Finnish European, 0.000085%; no homozygotes.

Submissions (2):

Ambry Genetics
Classification: Likely benign for Hereditary cancer-predisposing syndrome. Last evaluated: 2025-03-04. Review status: criteria provided, single submitter. Criteria: Ambry Variant Classification Scheme 2023. Collection method: clinical testing. Allele origin: germline.

Labcorp Genetics (formerly Invitae), Labcorp
Classification: Uncertain significance. Last evaluated: 2019-11-19. Review status: criteria provided, single submitter. Criteria: Invitae Variant Classification Sherloc (09022015). Collection method: clinical testing. Allele origin: germline.
Comment: This sequence change replaces asparagine with aspartic acid at codon 283 of the CTNNA1 protein (p.Asn283Asp). The asparagine residue is highly conserved and there is a small physicochemical difference between asparagine and aspartic acid. This variant is not present in population databases (ExAC no frequency). This variant has not been reported in the literature in individuals with CTNNA1-related conditions. Algorithms developed to predict the effect of missense changes on protein structure and function are either unavailable or do not agree on the potential impact of this missense change (SIFT: "Deleterious"; PolyPhen-2: "Benign"; Align-GVGD: "Class C0"). In summary, the available evidence is currently insufficient to determine the role of this variant in disease. Therefore, it has been classified as a Variant of Uncertain Significance.

NM_001903.5(CTNNA1):c.847A>G (p.Asn283Asp)

Gene: CTNNA1 (catenin alpha 1; plus strand). Cytogenetic location: 5q31.2.
Variant type: single nucleotide variant.
Coding change: c.847A>G on transcript NM_001903.5 (MANE Select); coding-DNA position 847, A replaced by G.
Protein change: p.Asn283Asp; replaces asparagine 283 with aspartic acid.
Molecular consequence: missense variant.
Genome position (GRCh38, 1-based): chr5:138,824,788, A>G. VCF-style: chr5-138824788-A-G. GRCh37 (hg19) VCF-style: chr5-138160477-A-G.
Other names: c.847A>G, p.Asn283Asp (NM_001290307.3, NM_001323982.2, NM_001323983.1 and 3 more transcripts); c.538A>G, p.Asn180Asp (NM_001290309.3); c.478A>G, p.Asn160Asp (NM_001290310.3); short protein forms N180D, N283D, N160D.
Identifiers: ClinVar variation 843238 (VCV000843238.13), dbSNP rs1355879925, ClinGen allele CA361130293.
Genomic context (GRCh38, chr5:138,824,788, plus strand): 5'-GCCTCAGACGATGCCTCACAGCACCAGGGTGGAGGAGGAGGAGAACTGGCATATGCACTC[A>G]ATAACTTTGACGTAAGTTATGCTTGGGTGGAAATTTCCAGCTCTTGACCATCCCCCAAAA-3'
Protein context (NP_001894.2, residues 273-293): GGGGELAYAL[Asn283Asp]NFDKQIIVDP